The following is an entry in ClinVar:

ClinVar aggregate classification (germline): Likely benign (0 of 4 stars; one submission).

Conditions:
CNTN5-related disorder. Also called: CNTN5-related condition.

Allele frequency attached by ClinVar (database versions not stated): TOPMed 0.00003; ESP Exome Variant Server 0.00008; gnomAD 0.00020; gnomAD exomes 0.00035; ExAC 0.00075; 1000 Genomes Project 30x 0.00078; 1000 Genomes Project 0.00100.
gnomAD v4.1: 531 of 1,613,840 alleles (0.033%); highest among the groups gnomAD compares: South Asian, 0.52%; 9 homozygotes.

Submission:

PreventionGenetics, part of Exact Sciences
Classification: Likely benign for CNTN5-related condition. Last evaluated: 2019-06-06. Review status: no assertion criteria provided. Collection method: clinical testing. Allele origin: germline.
Comment: This variant is classified as likely benign based on ACMG/AMP sequence variant interpretation guidelines (Richards et al. 2015 PMID: 25741868, with internal and published modifications).

NM_014361.4(CNTN5):c.329T>C (p.Phe110Ser)

Gene: CNTN5 (contactin 5; plus strand). Cytogenetic location: 11q22.1.
Variant type: single nucleotide variant.
Coding change: c.329T>C on transcript NM_014361.4 (MANE Select); coding-DNA position 329, T replaced by C.
Protein change: p.Phe110Ser; replaces phenylalanine 110 with serine.
Molecular consequence: missense variant.
Genome position (GRCh38, 1-based): chr11:99,844,903, T>C. VCF-style: chr11-99844903-T-C. GRCh37 (hg19) VCF-style: chr11-99715635-T-C.
Other names: c.329T>C, p.Phe110Ser (NM_001243270.2, NM_001243271.2); c.107T>C, p.Phe36Ser (NM_175566.2); short protein forms F110S, F36S.
Identifiers: ClinVar variation 3044243 (VCV003044243.2), dbSNP rs201796913, ClinGen allele CA6242035.
Genomic context (GRCh38, chr11:99,844,903, plus strand): 5'-TCTTTACAGAAAGTGTGGACTATGGGCCAGTTTTTGTGCAAGAACCAGATGATATTATTT[T>C]TCCAACTGATTCTGATGAAAAGAAGGTAGCATTGAATTGTGAAGTTCGTGGCAATCCAGT-3'
Protein context (NP_055176.1, residues 100-120): VFVQEPDDII[Phe110Ser]PTDSDEKKVA